The following is an entry in ClinVar:

NM_007294.4(BRCA1):c.2207A>G (p.Glu736Gly)

Gene: BRCA1 (BRCA1 DNA repair associated; minus strand). Cytogenetic location: 17q21.31.
Variant type: single nucleotide variant.
Coding change: c.2207A>G on transcript NM_007294.4 (MANE Select); coding-DNA position 2207, A replaced by G.
Protein change: p.Glu736Gly; replaces glutamic acid 736 with glycine.
Molecular consequence: missense variant. On other transcripts: intron variant (137).
Genome position (GRCh38, 1-based): chr17:43,093,324, T>C on the plus strand (A>G on the coding strand, the complement: BRCA1 is on the minus strand). VCF-style: chr17-43093324-T-C. GRCh37 (hg19) VCF-style: chr17-41245341-T-C.
Other names: c.1994A>G, p.Glu665Gly (NM_001407571.1, NM_001407853.1, NM_001407894.1 and 9 more transcripts); c.2207A>G, p.Glu736Gly (NM_001407581.1, NM_001407582.1, NM_001407583.1 and 30 more transcripts); c.2204A>G, p.Glu735Gly (NM_001407587.1, NM_001407590.1, NM_001407591.1 and 22 more transcripts); c.2198A>G, p.Glu733Gly (NM_001407646.1, NM_001407647.1); c.2084A>G, p.Glu695Gly (NM_001407648.1, NM_001407664.1, NM_001407665.1 and 19 more transcripts); c.2081A>G, p.Glu694Gly (NM_001407649.1, NM_001407670.1, NM_001407671.1 and 11 more transcripts); c.2129A>G, p.Glu710Gly (NM_001407653.1, NM_001407654.1, NM_001407655.1 and 4 more transcripts); c.2126A>G, p.Glu709Gly (NM_001407659.1, NM_001407660.1, NM_001407661.1 and 1 more transcripts); and 41 more; short protein forms E736G, E689G, E608G, E666G, E695G, E609G, E648G, E668G.
Identifiers: ClinVar variation 481433 (VCV000481433.8), dbSNP rs397507196, ClinGen allele CA10597584.
Genomic context (GRCh38, chr17:43,093,324, plus strand): 5'-CTTTCTCCACTTAACATGAGATCTTTGGGGTCTTCAGCATTATTAGACACTTTAACTGTT[T>C]CTAGTTTCTCTTCTTTTTCTTCTCTTGGAAGGCTAGGATTGACAAATTCTTTAAGTTCAC-3'
Protein context (NP_009225.1, residues 726-746): LPREEKEEKL[Glu736Gly]TVKVSNNAED

ClinVar aggregate classification (germline): Likely benign. Review status: criteria provided, multiple submitters, no conflicts (2 of 4 stars). 2 submissions from 2 submitters: Likely benign (2). Last evaluated 2023-03-23.

Conditions:
Hereditary cancer-predisposing syndrome. Also called: Hereditary Cancer Syndrome; Neoplastic Syndromes, Hereditary; Tumor predisposition; Hereditary neoplastic syndrome. Identifiers: Orphanet 140162, MedGen C0027672, MeSH D009386, MONDO:0015356.

Submissions (2):

University of Washington Department of Laboratory Medicine, University of Washington
Classification: Likely benign for Hereditary cancer-predisposing syndrome. Last evaluated: 2023-03-23. Review status: criteria provided, single submitter. Criteria: Dines et al. (Genet Med. 2020). Collection method: curation. Allele origin: germline.
Comment: Missense variant in a coldspot region where missense variants are very unlikely to be pathogenic (PMID:31911673).

BRCA1 coldspot (exon 11 using historical exon numbering). Reclassification based on statistical prior probability

Ambry Genetics
Classification: Likely benign for Hereditary cancer-predisposing syndrome. Last evaluated: 2016-02-15. Review status: criteria provided, single submitter. Criteria: Ambry Variant Classification Scheme 2023. Collection method: clinical testing. Allele origin: germline.